The following is an entry in ClinVar:

ClinVar aggregate classification (germline): Pathogenic. Review status: criteria provided, multiple submitters, no conflicts (2 of 4 stars). 4 submissions from 4 submitters: Pathogenic (4). Last evaluated 2026-01-23.

Conditions:
Chuvash polycythemia. Also called: POLYCYTHEMIA, VHL-DEPENDENT. Identifiers: Orphanet 238557, MedGen C1837915, MONDO:0009892, OMIM 263400.
Von Hippel-Lindau syndrome (VHLS). Also called: von Hippel–Lindau syndrome; Von Hippel-Lindau; VHL syndrome. Identifiers: Orphanet 892, MedGen C0019562, MONDO:0008667, OMIM 193300. Disease mechanism: loss of function.
Hereditary cancer-predisposing syndrome. Also called: Hereditary Cancer Syndrome; Tumor predisposition; Neoplastic Syndromes, Hereditary; Hereditary neoplastic syndrome. Identifiers: Orphanet 140162, MedGen C0027672, MeSH D009386, MONDO:0015356.

Submissions (4):

Ambry Genetics
Classification: Pathogenic for Hereditary cancer-predisposing syndrome. Last evaluated: 2026-01-23. Review status: criteria provided, single submitter. Criteria: Ambry Variant Classification Scheme 2023. Collection method: clinical testing. Allele origin: germline.
Comment: The c.341-1G>A intronic pathogenic mutation results from a G to A substitution one nucleotide upstream from coding exon 2 of the VHL gene. This variant was reported in individual(s) with features consistent with von Hippel-Lindau syndrome (Gomy I et al. Fam Cancer, 2010 Dec;9:635-42; Ambry internal data). This variant is considered to be rare based on population cohorts in the Genome Aggregation Database (gnomAD). This nucleotide position is highly conserved in available vertebrate species. In silico splice site analysis predicts that this alteration will weaken the native splice acceptor site. Variants that disrupt the canonical splice site are expected to cause aberrant splicing, resulting in an abnormal protein or a transcript that is subject to nonsense-mediated mRNA decay. As such, this variant is classified as la disease-causing mutation.

Labcorp Genetics (formerly Invitae), Labcorp
Classification: Pathogenic for Von Hippel-Lindau syndrome; Chuvash polycythemia. Last evaluated: 2025-02-25. Review status: criteria provided, single submitter. Criteria: Invitae Variant Classification Sherloc (09022015). Collection method: clinical testing. Allele origin: germline.
Comment: This sequence change affects an acceptor splice site in intron 1 of the VHL gene. RNA analysis indicates that disruption of this splice site induces altered splicing and may result in an absent or altered protein product. This variant is not present in population databases (gnomAD no frequency). Disruption of this splice site has been observed in individuals with clinical features of von Hippel-Lindau syndrome (PMID: 11835384, 20567917). ClinVar contains an entry for this variant (Variation ID: 823743). Studies have shown that disruption of this splice site results in activation of a cryptic splice site, and produces a non-functional protein and/or introduces a premature termination codon (PMID: 20567917). For these reasons, this variant has been classified as Pathogenic.

Baylor Genetics
Classification: Pathogenic for Chuvash polycythemia. Last evaluated: 2023-05-11. Review status: criteria provided, single submitter. Criteria: ACMG Guidelines, 2015. Collection method: clinical testing. Allele origin: unknown.

Genetics and Molecular Pathology, SA Pathology
Classification: Pathogenic for Von Hippel-Lindau syndrome. Last evaluated: 2023-04-28. Review status: criteria provided, single submitter. Criteria: ACMG Guidelines, 2015. Collection method: clinical testing. Allele origin: germline. Inheritance: Autosomal dominant inheritance. Affected: yes.
Comment: The VHL c.341-1G>A variant is classified as Pathogenic (PVS1, PM2, PS4_moderate) The VHL c.341-1G>A variant is located at the canonical acceptor splice site of intron 1. Computational predictions support a deleterious effect on splicing and a likely disruption of the protein reading frame (PVS1). The variant has been reported in two unrelated individuals with a phenotype of VHL and RNA studies demonstrate skipping of exon 2 (PMID: 20567917, 11835384) (PS4_moderate) This variant is absent from population databases (PM2). The variant has been reported in dbSNP (rs1575927648) and in the HGMD database as disease causing (CS107609). It has been reported as pathogenic by another diagnostic laboratory (ClinVar Variation ID: 823743).

Literature cited by the submitters: PubMed 20567917 (cited by 3 submitters); PubMed 11835384 (cited by Labcorp Genetics (formerly Invitae), Labcorp and Genetics and Molecular Pathology, SA Pathology).

NM_000551.4(VHL):c.341-1G>A

Genes: VHL (von Hippel-Lindau tumor suppressor; plus strand), LOC107303340 (3p25 von Hippel-Lindau tumor suppressor, E3 ubiquitin protein ligase Alu-mediated recombination region; plus strand). Cytogenetic location: 3p25.3.
Variant type: single nucleotide variant.
Coding change: c.341-1G>A on transcript NM_000551.4 (MANE Select); the canonical splice acceptor site of the intron before coding-DNA position 341, G replaced by A.
Molecular consequence: splice acceptor variant. On other transcripts: intron variant (2).
Genome position (GRCh38, 1-based): chr3:10,146,513, G>A. VCF-style: chr3-10146513-G-A. GRCh37 (hg19) VCF-style: chr3-10188197-G-A.
Other names: c.*18-3274G>A (NM_001354723.2); c.341-3274G>A (NM_198156.3).
Identifiers: ClinVar variation 823743 (VCV000823743.7), dbSNP rs1575927648, ClinGen allele CA351753591.